The following is an entry in ClinVar:

NM_033409.4(SLC52A3):c.395G>A (p.Arg132Gln)

Gene: SLC52A3 (solute carrier family 52 member 3; minus strand). Cytogenetic location: 20p13.
Variant type: single nucleotide variant.
Coding change: c.395G>A on transcript NM_033409.4 (MANE Select); coding-DNA position 395, G replaced by A.
Protein change: p.Arg132Gln; replaces arginine 132 with glutamine.
Molecular consequence: missense variant.
Genome position (GRCh38, 1-based): chr20:765,380, C>T on the plus strand (G>A on the coding strand, the complement: SLC52A3 is on the minus strand). VCF-style: chr20-765380-C-T. GRCh37 (hg19) VCF-style: chr20-746024-C-T.
Other names: c.395G>A, p.Arg132Gln (NM_001370085.1, NM_001370086.1); short protein forms R132Q.
Identifiers: ClinVar variation 476610 (VCV000476610.17), dbSNP rs142157418, ClinGen allele CA9724788.

ClinVar aggregate classification (germline): Conflicting classifications of pathogenicity. Review status: criteria provided, conflicting classifications (1 of 4 stars). 4 submissions from 4 submitters: Uncertain significance (3); Likely benign (1). Last evaluated 2025-07-07.

Conditions:
Brown-Vialetto-van Laere syndrome 1. Also called: BROWN-VIALETTO-VAN LAERE SYNDROME 1, MILD; BULBAR PALSY, PROGRESSIVE, WITH SENSORINEURAL DEAFNESS; PONTOBULBAR PALSY WITH DEAFNESS. Identifiers: Orphanet 572550, Orphanet 97229, MedGen C0796274, MONDO:0024537, OMIM 211530.
Inborn genetic diseases. Identifiers: MedGen C0950123, MeSH D030342.

Allele frequency attached by ClinVar (database versions not stated): ESP Exome Variant Server 0.00008; ExAC 0.00012; TOPMed 0.00020; gnomAD 0.00022 and 0.00021; 1000 Genomes Project 0.00040; 1000 Genomes Project 30x 0.00031.

Submissions (4):

Labcorp Genetics (formerly Invitae), Labcorp
Classification: Uncertain significance for Brown-Vialetto-van Laere syndrome 1. Last evaluated: 2025-07-07. Review status: criteria provided, single submitter. Criteria: Invitae Variant Classification Sherloc (09022015). Collection method: clinical testing. Allele origin: germline.
Comment: This sequence change replaces arginine, which is basic and polar, with glutamine, which is neutral and polar, at codon 132 of the SLC52A3 protein (p.Arg132Gln). This variant is present in population databases (rs142157418, gnomAD 0.03%). This variant has not been reported in the literature in individuals affected with SLC52A3-related conditions. ClinVar contains an entry for this variant (Variation ID: 476610). Invitae Evidence Modeling of protein sequence and biophysical properties (such as structural, functional, and spatial information, amino acid conservation, physicochemical variation, residue mobility, and thermodynamic stability) indicates that this missense variant is not expected to disrupt SLC52A3 protein function with a negative predictive value of 95%. In summary, the available evidence is currently insufficient to determine the role of this variant in disease. Therefore, it has been classified as a Variant of Uncertain Significance.

Ambry Genetics
Classification: Uncertain significance for Inborn genetic diseases. Last evaluated: 2021-03-23. Review status: criteria provided, single submitter. Criteria: Ambry Variant Classification Scheme 2023. Collection method: clinical testing. Allele origin: germline.
Comment: The p.R132Q variant (also known as c.395G>A), located in coding exon 1 of the SLC52A3 gene, results from a G to A substitution at nucleotide position 395. The arginine at codon 132 is replaced by glutamine, an amino acid with highly similar properties. This amino acid position is not well conserved in available vertebrate species, and glutamine is the reference amino acid in other vertebrate species. In addition, this alteration is predicted to be tolerated by in silico analysis. Since supporting evidence is limited at this time, the clinical significance of this alteration remains unclear.

GeneDx
Classification: Uncertain significance. Last evaluated: 2019-07-15. Review status: criteria provided, single submitter. Criteria: GeneDx Variant Classification Process June 2021. Collection method: clinical testing. Allele origin: germline. Affected: yes.
Comment: In silico analysis, which includes protein predictors and evolutionary conservation, supports that this variant does not alter protein structure/function; A different missense substitution at the same position (R132W) has been reported previously in association with Brown-Vialetto-Van Laere syndrome (Stenson et al., 2014); Has not been previously published as pathogenic or benign to our knowledge

Laboratory for Molecular Medicine, Mass General Brigham Personalized Medicine
Classification: Likely benign. Last evaluated: 2018-05-10. Review status: criteria provided, single submitter. Criteria: LMM Criteria. Collection method: clinical testing. Allele origin: germline. Observed: 1 variant allele.
Comment: p.Arg132Gln in Exon 2 of SLC52A3: This variant is not expected to have clinical significance due to a lack of conservation across species, including mammals. Of note, more than 10 mammals have a Glutamine (Gln) at this position despite high nearby amino acid conservation. In addition, computational prediction tools do not suggest a high likelihood of impact to the protein. Additionally, this varia nt has been identified in 0.03% (38/126634) of European chromosomes by the Genom e Aggregation Database (gnomAD; dbSNP rs142157 418). ACMG/AMP Criteria applied: PM2, BP4_Strong